The following is an entry in ClinVar:

NM_002382.5(MAX):c.173del (p.Ala58fs)

Gene: MAX (MYC associated transcriptional regulator X; minus strand). Cytogenetic location: 14q23.3.
Variant type: Deletion.
Coding change: c.173del on transcript NM_002382.5 (MANE Select); coding-DNA position 173, one base deleted (C; older notation c.173delC).
Protein change: p.Ala58fs; shifts the reading frame from alanine 58.
Molecular consequence: frameshift variant. On other transcripts: 5 prime UTR variant (1), intron variant (2).
Genome position (GRCh38, 1-based): chr14:65,078,035, G deleted on the plus strand (C on the coding strand, the reverse complement: MAX is on the minus strand). VCF-style (leftmost placement, unchanged base first): chr14-65078034-TG-T. GRCh37 (hg19) VCF-style: chr14-65544752-TG-T.
Other names: c.-102del (NM_001320415.2); c.173delC, p.Ala58Aspfs (NM_001407094.1, NM_001407096.1, NM_001407097.1 and 2 more transcripts); c.146delC, p.Ala49Aspfs (NM_001407095.1, NM_001407099.1, NM_001407100.1 and 5 more transcripts); c.65delC, p.Ala22Aspfs (NM_001407098.1); c.-102delC (NM_001407105.1, NM_001407106.1, NM_001407107.1); c.-195delC (NM_001407111.1, NM_001407112.1); c.146del, p.Ala49fs (NM_145112.3); c.173del, p.Ala58fs (NM_145113.3); and 2 more; short protein forms A58fs, A49fs.
Identifiers: ClinVar variation 1779169 (VCV001779169.2), dbSNP rs2504200802, ClinGen allele CA2580088683.

ClinVar aggregate classification (germline): Pathogenic (1 of 4 stars; one submission).

Conditions:
Hereditary cancer-predisposing syndrome. Also called: Neoplastic Syndromes, Hereditary; Tumor predisposition; Hereditary Cancer Syndrome; Hereditary neoplastic syndrome. Identifiers: Orphanet 140162, MedGen C0027672, MeSH D009386, MONDO:0015356.

Submission:

Ambry Genetics
Classification: Pathogenic for Hereditary cancer-predisposing syndrome. Last evaluated: 2015-12-10. Review status: criteria provided, single submitter. Criteria: Ambry Variant Classification Scheme 2023. Collection method: clinical testing. Allele origin: germline.
Comment: The c.173delC pathogenic mutation, located in coding exon 4 of the MAX gene, results from a deletion of one nucleotide at nucleotide position 173, causing a translational frameshift with a predicted alternate stop codon. Since frameshifts are typically deleterious in nature, this alteration is interpreted as a disease-causing mutation (ACMG Recommendations for Standards for Interpretation and Reporting of Sequence Variations. Revision 2007. Genet Med. 2008;10:294).